The following is an entry in ClinVar:

NM_000089.4(COL1A2):c.980G>A (p.Arg327His)

Gene: COL1A2 (collagen type I alpha 2 chain; plus strand). Cytogenetic location: 7q21.3.
Variant type: single nucleotide variant.
Coding change: c.980G>A on transcript NM_000089.4 (MANE Select); coding-DNA position 980, G replaced by A.
Protein change: p.Arg327His; replaces arginine 327 with histidine.
Molecular consequence: missense variant.
Genome position (GRCh38, 1-based): chr7:94,409,766, G>A. VCF-style: chr7-94409766-G-A. GRCh37 (hg19) VCF-style: chr7-94039078-G-A.
Other names: p.Arg327His; short protein forms R327H.
Identifiers: ClinVar variation 1020809 (VCV001020809.17), dbSNP rs764174111, ClinGen allele CA4346900.

ClinVar aggregate classification (germline): Conflicting classifications of pathogenicity. Review status: criteria provided, conflicting classifications (1 of 4 stars). 5 submissions from 5 submitters: Uncertain significance (4); Likely benign (1). Last evaluated 2026-04-15.

Conditions:
Osteogenesis imperfecta type I (OI1). Also called: OI, TYPE I; OSTEOGENESIS IMPERFECTA TARDA; OSTEOGENESIS IMPERFECTA WITH BLUE SCLERAE; Osteogenesis imperfecta type 1; Classic Non-deforming Osteogenesis Imperfecta with Blue Sclerae; Lobstein's Disease. Identifiers: Orphanet 216796, Orphanet 666, MedGen C0023931, MONDO:0008146, OMIM 166200. Disease mechanism: loss of function.
Ehlers-Danlos syndrome, classic type, 1 (EDSCL1). Also called: EHLERS-DANLOS SYNDROME, GRAVIS TYPE; EHLERS-DANLOS SYNDROME, SEVERE CLASSIC TYPE; EDS I; Ehlers-Danlos Syndrome, Classic Type, COL5A1-Related; Ehlers-Danlos syndrome, type 1. Identifiers: MedGen C0268335, MONDO:0019567, OMIM 130000.

Allele frequency attached by ClinVar (database versions not stated): gnomAD exomes 0.00002; gnomAD 0.00003 and 0.00004; TOPMed 0.00003; ExAC 0.00002.
gnomAD v4.1: 79 of 1,613,984 alleles (0.0049%); highest among the groups gnomAD compares: Middle Eastern, 0.033%; no homozygotes.

Submissions (5):

Women's Health and Genetics/Laboratory Corporation of America, LabCorp
Classification: Uncertain significance. Last evaluated: 2026-04-15. Review status: criteria provided, single submitter. Criteria: LabCorp Variant Classification Summary - May 2015. Collection method: clinical testing. Allele origin: germline.
Comment: Variant summary: COL1A2 c.980G>A (p.Arg327His) results in a non-conservative amino acid change in the encoded protein sequence. Algorithms developed to predict the effect of missense changes on protein structure and function all suggest that this variant is likely to be disruptive. The variant allele was found at a frequency of 1.6e-05 in 251166 control chromosomes. The available data on variant occurrences in the general population are insufficient to allow any conclusion about variant significance. c.980G>A has been observed in the heterozygous state in at least one individual affected with Osteogenesis Imperfecta (example: Tuysuz_2022). These data do not allow any conclusion about variant significance. To our knowledge, no experimental evidence demonstrating an impact on protein function has been reported. The following publication has been ascertained in the context of this evaluation (PMID: 34902613). ClinVar contains an entry for this variant (Variation ID: 1020809). Based on the evidence outlined above, the variant was classified as uncertain significance.

Labcorp Genetics (formerly Invitae), Labcorp
Classification: Uncertain significance for Osteogenesis imperfecta type I; Ehlers-Danlos syndrome, classic type, 1. Last evaluated: 2025-11-22. Review status: criteria provided, single submitter. Criteria: Invitae Variant Classification Sherloc (09022015). Collection method: clinical testing. Allele origin: germline.
Comment: This sequence change replaces arginine, which is basic and polar, with histidine, which is basic and polar, at codon 327 of the COL1A2 protein (p.Arg327His). This variant is present in population databases (rs764174111, gnomAD 0.003%). This missense change has been observed in individual(s) with COL1A2-related conditions (PMID: 34902613). ClinVar contains an entry for this variant (Variation ID: 1020809). Invitae Evidence Modeling of protein sequence and biophysical properties (such as structural, functional, and spatial information, amino acid conservation, physicochemical variation, residue mobility, and thermodynamic stability) indicates that this missense variant is expected to disrupt COL1A2 protein function with a positive predictive value of 80%. In summary, the available evidence is currently insufficient to determine the role of this variant in disease. Therefore, it has been classified as a Variant of Uncertain Significance.

Laboratory of Genetics, Children's Clinical University Hospital Latvia
Classification: Likely benign. Last evaluated: 2025-02-16. Review status: criteria provided, single submitter. Criteria: ACMG Guidelines, 2015. Collection method: clinical testing. Allele origin: germline. Affected: yes.

Mayo Clinic Laboratories, Mayo Clinic
Classification: Uncertain significance. Last evaluated: 2023-06-30. Review status: criteria provided, single submitter. Criteria: ACMG Guidelines, 2015. Collection method: clinical testing. Allele origin: germline. Observed: 1 variant allele.

GeneDx
Classification: Uncertain significance. Last evaluated: 2022-08-24. Review status: criteria provided, single submitter. Criteria: GeneDx Variant Classification Process June 2021. Collection method: clinical testing. Allele origin: germline. Affected: yes.
Comment: Has not been previously published as pathogenic or benign to our knowledge; Not observed at a significant frequency in large population cohorts (gnomAD); In silico analysis supports that this missense variant has a deleterious effect on protein structure/function; Occurs in the triple helical domain at the Y position in the canonical Gly-X-Y repeat; although this variant may have an effect on normal protein folding and function, missense substitution at the Y position is not a common mechanism of disease (HGMD)

Literature cited by the submitters: PubMed 34902613 (cited by Women's Health and Genetics/Laboratory Corporation of America, LabCorp and Labcorp Genetics (formerly Invitae), Labcorp).